The following is an entry in ClinVar:

ClinVar aggregate classification (germline): Uncertain significance. Review status: criteria provided, single submitter (1 of 4 stars). 2 submissions from 2 submitters: Uncertain significance (1). 1 of the submissions does not count toward it. Last evaluated 2018-10-01.

Conditions:
TDP2-related disorder. Also called: TDP2-related condition.

Allele frequency attached by ClinVar (database versions not stated): ExAC 0.00003; gnomAD 0.00003; TOPMed 0.00003; gnomAD exomes 0.00004 and 0.00005.
gnomAD v4.1: 71 of 1,614,038 alleles (0.0044%); highest among the groups gnomAD compares: Middle Eastern, 0.12%; no homozygotes.

Submissions (2):

CeGaT Center for Human Genetics Tuebingen
Classification: Uncertain significance. Last evaluated: 2018-10-01. Review status: criteria provided, single submitter. Criteria: CeGaT Center For Human Genetics Tuebingen Variant Classification Criteria Version 2. Collection method: clinical testing. Allele origin: germline. Affected: yes. Observed: 1 variant allele.

PreventionGenetics, part of Exact Sciences
Classification: Uncertain significance for TDP2-related condition. Last evaluated: 2024-08-01. Review status: no assertion criteria provided. Collection method: clinical testing. Allele origin: germline. Not counted in ClinVar's aggregate classification.
Comment: The TDP2 c.54C>T variant is not predicted to result in an amino acid change (p.=). To our knowledge, this variant has not been reported in the literature. This variant is reported in 0.0098% of alleles in individuals of South Asian descent in gnomAD. At this time, the clinical significance of this variant is uncertain due to the absence of conclusive functional and genetic evidence.

NM_016614.3(TDP2):c.54C>T (p.Gly18=)

Genes: TDP2 (tyrosyl-DNA phosphodiesterase 2; minus strand), LOC113174982 (Sharpr-MPRA regulatory region 5933; plus strand). Cytogenetic location: 6p22.3.
Variant type: single nucleotide variant.
Coding change: c.54C>T on transcript NM_016614.3 (MANE Select); coding-DNA position 54, C replaced by T.
Protein change: p.Gly18=; no amino-acid change (glycine 18 retained).
Molecular consequence: synonymous variant.
Genome position (GRCh38, 1-based): chr6:24,666,809, G>A on the plus strand (C>T on the coding strand, the complement: TDP2 is on the minus strand). VCF-style: chr6-24666809-G-A. GRCh37 (hg19) VCF-style: chr6-24667037-G-A.
Other names: c.54C>T (NM_016614.2).
Identifiers: ClinVar variation 809885 (VCV000809885.42), dbSNP rs534169765, ClinGen allele CA3658301.